The following is an entry in ClinVar:

NM_001267550.2(TTN):c.20367G>A (p.Pro6789=)

Gene: TTN (titin; minus strand). Cytogenetic location: 2q31.2.
Variant type: single nucleotide variant.
Coding change: c.20367G>A on transcript NM_001267550.2 (MANE Select); coding-DNA position 20367, G replaced by A.
Protein change: p.Pro6789=; no amino-acid change (proline 6789 retained).
Molecular consequence: synonymous variant. On other transcripts: intron variant (3).
Genome position (GRCh38, 1-based): chr2:178,725,955, C>T on the plus strand (G>A on the coding strand, the complement: TTN is on the minus strand). VCF-style: chr2-178725955-C-T. GRCh37 (hg19) VCF-style: chr2-179590682-C-T.
Other names: c.19416G>A, p.Pro6472= (NM_001256850.1); c.13282+12127G>A (NM_003319.4); c.13858+12127G>A (NM_133437.4); c.13657+12127G>A (NM_133432.3); c.16635G>A, p.Pro5545= (NM_133378.4).
Identifiers: ClinVar variation 166187 (VCV000166187.17), dbSNP rs368422028, ClinGen allele CA178978.
Genomic context (GRCh38, chr2:178,725,955, plus strand): 5'-AATCTTGTATTTCTTGCTGCTTCTGAGTTGCCGCTTGTCTTTGTACCATACCACCTCAAA[C>T]GGTGGTGTTCCCGAAAGTTCACATTCAAGACTGACTTCAGCATTTTTAAGGGTTTCTACT-3'
Protein context (NP_001254479.2, residues 6779-6799): SLECELSGTP[Pro6789=]FEVVWYKDKR

ClinVar aggregate classification (germline): Likely benign. Review status: criteria provided, multiple submitters, no conflicts (2 of 4 stars). 3 submissions from 3 submitters: Likely benign (3). Last evaluated 2026-03-19.

Conditions:
TTN-related disorder. Also called: TTN-related condition; TTN-related disease; TTN-related disorders.
Dilated cardiomyopathy 1G (CMD1G). Identifiers: Orphanet 154, MedGen C1858763, MONDO:0011400, OMIM 604145.
Autosomal recessive limb-girdle muscular dystrophy type 2J (LGMDR10). Also called: Limb-girdle muscular dystrophy, type 2J; MUSCULAR DYSTROPHY, LIMB-GIRDLE, AUTOSOMAL RECESSIVE 10. Identifiers: Orphanet 140922, MedGen C1837342, MONDO:0012127, OMIM 608807.

Allele frequency attached by ClinVar (database versions not stated): TOPMed 0.00003; ESP Exome Variant Server 0.00008.
gnomAD v4.1: 78 of 1,612,290 alleles (0.0048%); highest among the groups gnomAD compares: Non-Finnish European, 0.0062%; no homozygotes.

Submissions (3):

PreventionGenetics, part of Exact Sciences
Classification: Likely benign for TTN-related condition. Last evaluated: 2026-03-19. Review status: criteria provided, single submitter. Criteria: ACMG Guidelines, 2015. Collection method: clinical testing. Allele origin: germline.
Comment: This variant is classified as likely benign based on ACMG/AMP sequence variant interpretation guidelines (Richards et al. 2015 PMID: 25741868, with internal and published modifications).

Labcorp Genetics (formerly Invitae), Labcorp
Classification: Likely benign for Dilated cardiomyopathy 1G; Autosomal recessive limb-girdle muscular dystrophy type 2J. Last evaluated: 2025-12-20. Review status: criteria provided, single submitter. Criteria: Invitae Variant Classification Sherloc (09022015). Collection method: clinical testing. Allele origin: germline.

Laboratory for Molecular Medicine, Mass General Brigham Personalized Medicine
Classification: Likely benign. Last evaluated: 2012-03-19. Review status: criteria provided, single submitter. Criteria: LMM Criteria. Collection method: clinical testing. Allele origin: germline. Observed: 1 variant allele.
Comment: p.Pro5545Pro in Exon 67 of TTN: This variant is not expected to have clinical si gnificance because it does not alter an amino acid residue, is not located withi n the splice consensus sequence. It has been identified in 1/6664 European Ameri can chromosomes from a broad population by the NHLBI Exome Sequencing Project.